The following is an entry in ClinVar:

NM_182961.4(SYNE1):c.25654T>C (p.Cys8552Arg)

Gene: SYNE1 (spectrin repeat containing nuclear envelope protein 1; minus strand). Cytogenetic location: 6q25.2.
Variant type: single nucleotide variant.
Coding change: c.25654T>C on transcript NM_182961.4 (MANE Select); coding-DNA position 25654, T replaced by C.
Protein change: p.Cys8552Arg; replaces cysteine 8552 with arginine.
Molecular consequence: missense variant.
Genome position (GRCh38, 1-based): chr6:152,136,623, A>G on the plus strand (T>C on the coding strand, the complement: SYNE1 is on the minus strand). VCF-style: chr6-152136623-A-G. GRCh37 (hg19) VCF-style: chr6-152457758-A-G.
Other names: c.2260T>C, p.Cys754Arg (NM_001347701.2); c.2188T>C, p.Cys730Arg (NM_001347702.2); c.25510T>C, p.Cys8504Arg (NM_033071.5); short protein forms C730R, C754R, C8504R, C8552R.
Identifiers: ClinVar variation 1305304 (VCV001305304.2), dbSNP rs1432731171, ClinGen allele CA366078783.

ClinVar aggregate classification (germline): Uncertain significance (1 of 4 stars; one submission).

Allele frequency attached by ClinVar (database versions not stated): gnomAD exomes below 0.00001 and 0.00001.
gnomAD v4.1: 4 of 1,613,314 alleles (0.00025%); highest among the groups gnomAD compares: Middle Eastern, 0.037%; no homozygotes.

Submission:

GeneDx
Classification: Uncertain significance. Last evaluated: 2020-08-03. Review status: criteria provided, single submitter. Criteria: GeneDx Variant Classification Process June 2021. Collection method: clinical testing. Allele origin: germline. Affected: yes.
Comment: Not observed at a significant frequency in large population cohorts (Lek et al., 2016); In silico analysis supports that this missense variant has a deleterious effect on protein structure/function; Has not been previously published as pathogenic or benign to our knowledge